The following is an entry in ClinVar:

NM_014862.4(ARNT2):c.1521G>T (p.Lys507Asn)

Gene: ARNT2 (aryl hydrocarbon receptor nuclear translocator 2; plus strand). Cytogenetic location: 15q25.1.
Variant type: single nucleotide variant.
Coding change: c.1521G>T on transcript NM_014862.4 (MANE Select); coding-DNA position 1521, G replaced by T.
Protein change: p.Lys507Asn; replaces lysine 507 with asparagine.
Molecular consequence: missense variant.
Genome position (GRCh38, 1-based): chr15:80,576,873, G>T. VCF-style: chr15-80576873-G-T. GRCh37 (hg19) VCF-style: chr15-80869214-G-T.
Other names: short protein forms K507N.
Identifiers: ClinVar variation 2131409 (VCV002131409.4), dbSNP rs1344377286, ClinGen allele CA393623781.

ClinVar aggregate classification (germline): Uncertain significance (1 of 4 stars; one submission).

Submission:

Labcorp Genetics (formerly Invitae), Labcorp
Classification: Uncertain significance. Last evaluated: 2023-08-04. Review status: criteria provided, single submitter. Criteria: Invitae Variant Classification Sherloc (09022015). Collection method: clinical testing. Allele origin: germline.
Comment: This sequence change replaces lysine, which is basic and polar, with asparagine, which is neutral and polar, at codon 507 of the ARNT2 protein (p.Lys507Asn). This variant is not present in population databases (gnomAD no frequency). This variant has not been reported in the literature in individuals affected with ARNT2-related conditions. ClinVar contains an entry for this variant (Variation ID: 2131409). An algorithm developed to predict the effect of missense changes on protein structure and function (PolyPhen-2) suggests that this variant is likely to be disruptive. In summary, the available evidence is currently insufficient to determine the role of this variant in disease. Therefore, it has been classified as a Variant of Uncertain Significance.